The following is an entry in ClinVar:

NM_006424.3(SLC34A2):c.1700T>A (p.Ile567Asn)

Gene: SLC34A2 (solute carrier family 34 member 2; plus strand). Cytogenetic location: 4p15.2.
Variant type: single nucleotide variant.
Coding change: c.1700T>A on transcript NM_006424.3 (MANE Select); coding-DNA position 1700, T replaced by A.
Protein change: p.Ile567Asn; replaces isoleucine 567 with asparagine.
Molecular consequence: missense variant.
Genome position (GRCh38, 1-based): chr4:25,676,376, T>A. VCF-style: chr4-25676376-T-A. GRCh37 (hg19) VCF-style: chr4-25677998-T-A.
Other names: c.1697T>A, p.Ile566Asn (NM_001177998.2, NM_001177999.2); c.1700T>A (NM_006424.2); short protein forms I566N, I567N.
Identifiers: ClinVar variation 1434638 (VCV001434638.7), dbSNP rs1240865106, ClinGen allele CA356571922.

ClinVar aggregate classification (germline): Uncertain significance. Review status: criteria provided, multiple submitters, no conflicts (2 of 4 stars). 2 submissions from 2 submitters: Uncertain significance (2). Last evaluated 2025-10-23.

Conditions:
Inborn genetic diseases. Identifiers: MedGen C0950123, MeSH D030342.

Allele frequency attached by ClinVar (database versions not stated): gnomAD 0.00001; gnomAD exomes 0.00001; TOPMed 0.00001.

Submissions (2):

Ambry Genetics
Classification: Uncertain significance for Inborn genetic diseases. Last evaluated: 2025-10-23. Review status: criteria provided, single submitter. Criteria: Ambry Variant Classification Scheme 2023. Collection method: clinical testing. Allele origin: germline.

Labcorp Genetics (formerly Invitae), Labcorp
Classification: Uncertain significance. Last evaluated: 2021-09-06. Review status: criteria provided, single submitter. Criteria: Invitae Variant Classification Sherloc (09022015). Collection method: clinical testing. Allele origin: germline.
Comment: In summary, the available evidence is currently insufficient to determine the role of this variant in disease. Therefore, it has been classified as a Variant of Uncertain Significance. Algorithms developed to predict the effect of missense changes on protein structure and function are either unavailable or do not agree on the potential impact of this missense change (SIFT: "Deleterious"; PolyPhen-2: "Benign"; Align-GVGD: "Class C0"). This variant has not been reported in the literature in individuals affected with SLC34A2-related conditions. This variant is not present in population databases (ExAC no frequency). This sequence change replaces isoleucine with asparagine at codon 567 of the SLC34A2 protein (p.Ile567Asn). The isoleucine residue is weakly conserved and there is a large physicochemical difference between isoleucine and asparagine.